The following is an entry in ClinVar:

NM_005655.4(KLF10):c.1309C>T (p.Arg437Trp)

Gene: KLF10 (KLF transcription factor 10; minus strand). Cytogenetic location: 8q22.3.
Variant type: single nucleotide variant.
Coding change: c.1309C>T on transcript NM_005655.4 (MANE Select); coding-DNA position 1309, C replaced by T.
Protein change: p.Arg437Trp; replaces arginine 437 with tryptophan.
Molecular consequence: missense variant. On other transcripts: non-coding transcript variant (2).
Genome position (GRCh38, 1-based): chr8:102,650,266, G>A on the plus strand (C>T on the coding strand, the complement: KLF10 is on the minus strand). VCF-style: chr8-102650266-G-A. GRCh37 (hg19) VCF-style: chr8-103662494-G-A.
Other names: c.1276C>T, p.Arg426Trp (NM_001032282.4); short protein forms R437W, R426W.
Identifiers: ClinVar variation 3715111 (VCV003715111.2).

ClinVar aggregate classification (germline): Uncertain significance (1 of 4 stars; one submission).

gnomAD v4.1: 2 of 1,614,176 alleles (0.00012%); highest among the groups gnomAD compares: South Asian, 0.0011%; no homozygotes.

Submission:

Labcorp Genetics (formerly Invitae), Labcorp
Classification: Uncertain significance. Last evaluated: 2024-08-28. Review status: criteria provided, single submitter. Criteria: Invitae Variant Classification Sherloc (09022015). Collection method: clinical testing. Allele origin: germline.
Comment: This sequence change replaces arginine, which is basic and polar, with tryptophan, which is neutral and slightly polar, at codon 437 of the KLF10 protein (p.Arg437Trp). This variant is not present in population databases (gnomAD no frequency). This variant has not been reported in the literature in individuals affected with KLF10-related conditions. An algorithm developed to predict the effect of missense changes on protein structure and function (PolyPhen-2) suggests that this variant is likely to be disruptive. In summary, the available evidence is currently insufficient to determine the role of this variant in disease. Therefore, it has been classified as a Variant of Uncertain Significance.